The following is an entry in ClinVar:

ClinVar aggregate classification (germline): Uncertain significance. Review status: criteria provided, multiple submitters, no conflicts (2 of 4 stars). 8 submissions from 7 submitters: Uncertain significance (6). 2 of the submissions do not count toward it. Last evaluated 2024-10-28.

Conditions:
Pituitary adenoma 5, multiple types. Identifiers: MedGen C4539685, MONDO:0054601, OMIM 617540.
Autosomal recessive nonsyndromic hearing loss 12. Also called: DEAFNESS, AUTOSOMAL RECESSIVE 12. Identifiers: Orphanet 90636, MedGen C1832394, MONDO:0011067, OMIM 601386.
Usher syndrome type 1D (USH1D). Also called: USHER SYNDROME, TYPE ID. Identifiers: Orphanet 231169, Orphanet 886, MedGen C1832845, MONDO:0010984, OMIM 601067.
Usher syndrome type 1 (USH1). Also called: RETINITIS PIGMENTOSA AND CONGENITAL DEAFNESS. Identifiers: Orphanet 231169, Orphanet 886, MedGen C1568247, MONDO:0010168, OMIM 276900.

Allele frequency attached by ClinVar (database versions not stated): gnomAD 0.00002 and 0.00003; TOPMed 0.00004; ESP Exome Variant Server 0.00008.
gnomAD v4.1: 17 of 1,613,776 alleles (0.0011%); highest among the groups gnomAD compares: East Asian, 0.0045%; no homozygotes.

Submissions (8):

Labcorp Genetics (formerly Invitae), Labcorp
Classification: Uncertain significance. Last evaluated: 2024-10-28. Review status: criteria provided, single submitter. Criteria: Invitae Variant Classification Sherloc (09022015). Collection method: clinical testing. Allele origin: germline.
Comment: This sequence change replaces arginine, which is basic and polar, with tryptophan, which is neutral and slightly polar, at codon 3043 of the CDH23 protein (p.Arg3043Trp). This variant is present in population databases (rs375907609, gnomAD 0.01%). This missense change has been observed in individual(s) with clinical features of Usher syndrome (PMID: 25788563, 35020051). ClinVar contains an entry for this variant (Variation ID: 226438). Invitae Evidence Modeling of protein sequence and biophysical properties (such as structural, functional, and spatial information, amino acid conservation, physicochemical variation, residue mobility, and thermodynamic stability) has been performed for this missense variant. However, the output from this modeling did not meet the statistical confidence thresholds required to predict the impact of this variant on CDH23 protein function. In summary, the available evidence is currently insufficient to determine the role of this variant in disease. Therefore, it has been classified as a Variant of Uncertain Significance.

Women's Health and Genetics/Laboratory Corporation of America, LabCorp
Classification: Uncertain significance. Last evaluated: 2022-12-23. Review status: criteria provided, single submitter. Criteria: LabCorp Variant Classification Summary - May 2015. Collection method: clinical testing. Allele origin: germline.
Comment: Variant summary: CDH23 c.9127C>T (p.Arg3043Trp) results in a non-conservative amino acid change in the encoded protein sequence. Four of five in-silico tools predict a damaging effect of the variant on protein function. The variant allele was found at a frequency of 2.8e-05 in 249146 control chromosomes (gnomAD). The available data on variant occurrences in the general population are insufficient to allow any conclusion about variant significance. c.9127C>T has been reported in the literature in individuals affected with clinical features of Usher syndrome with non-informative genotypes (second pathogenic allele not specified) (examples: Bonnet_2011 and Nishio_2015). These report(s) do not provide unequivocal conclusions about association of the variant with Usher Syndrome. To our knowledge, no experimental evidence demonstrating an impact on protein function has been reported. Three clinical diagnostic laboratories have submitted clinical-significance assessments for this variant to ClinVar after 2014 and all classified the variant as uncertain significance. Based on the evidence outlined above, the variant was classified as uncertain significance.

Fulgent Genetics
Classification: Uncertain significance for Usher syndrome type 1D; Autosomal recessive nonsyndromic hearing loss 12; Pituitary adenoma 5, multiple types. Last evaluated: 2022-05-12. Review status: criteria provided, single submitter. Criteria: ACMG Guidelines, 2015. Collection method: clinical testing. Allele origin: unknown.

Blueprint Genetics
Classification: Uncertain significance. Last evaluated: 2021-11-02. Review status: criteria provided, single submitter. Criteria: ACMG Guidelines, 2015. Collection method: clinical testing. Allele origin: germline.

Illumina Laboratory Services, Illumina
Classification: Uncertain significance for Usher syndrome type 1D. Last evaluated: 2017-04-28. Review status: criteria provided, single submitter. Criteria: ICSL Variant Classification Criteria 13 December 2019. Collection method: clinical testing. Allele origin: germline.
Comment: This variant was observed as part of a predisposition screen in an ostensibly healthy population. A literature search was performed for the gene, cDNA change, and amino acid change (where applicable). Publications were found based on this search. However, the evidence from the literature, in combination with allele frequency data from public databases where available, was not sufficient to rule this variant in or out of causing disease. Therefore, this variant is classified as a variant of unknown significance.

Illumina Laboratory Services, Illumina
Classification: Uncertain significance for Autosomal recessive nonsyndromic hearing loss 12. Last evaluated: 2017-04-28. Review status: criteria provided, single submitter. Criteria: ICSL Variant Classification Criteria 13 December 2019. Collection method: clinical testing. Allele origin: germline.

Natera, Inc.
Classification: Uncertain significance for Usher syndrome type 1. Last evaluated: 2020-04-28. Review status: no assertion criteria provided. Collection method: clinical testing. Allele origin: germline. Not counted in ClinVar's aggregate classification.

GeneReviews
No classification provided. Condition: Usher syndrome type 1. Review status: no classification provided. Collection method: literature only. Allele origin: germline. Affected: yes. Not counted in ClinVar's aggregate classification.

Literature cited by the submitters: PubMed 25788563 (cited by Labcorp Genetics (formerly Invitae), Labcorp and Women's Health and Genetics/Laboratory Corporation of America, LabCorp); PubMed 35020051 (cited by Labcorp Genetics (formerly Invitae), Labcorp and Women's Health and Genetics/Laboratory Corporation of America, LabCorp); PubMed 21569298 (cited by 3 submitters); NCBI Bookshelf NBK1265 (cited by GeneReviews).

NM_022124.6(CDH23):c.9127C>T (p.Arg3043Trp)

Gene: CDH23 (cadherin related 23; plus strand). Cytogenetic location: 10q22.1.
Variant type: single nucleotide variant.
Coding change: c.9127C>T on transcript NM_022124.6 (MANE Select); coding-DNA position 9127, C replaced by T.
Protein change: p.Arg3043Trp; replaces arginine 3043 with tryptophan.
Molecular consequence: missense variant.
Genome position (GRCh38, 1-based): chr10:71,811,364, C>T. VCF-style: chr10-71811364-C-T. GRCh37 (hg19) VCF-style: chr10-73571121-C-T.
Other names: c.2407C>T, p.Arg803Trp (NM_001171933.1, NM_001171934.1); short protein forms R3043W, R803W.
Identifiers: ClinVar variation 226438 (VCV000226438.16), dbSNP rs375907609, ClinGen allele CA5546888.